The following is an entry in ClinVar:

ClinVar aggregate classification (germline): Uncertain significance (1 of 4 stars; one submission).

Conditions:
Hereditary cancer-predisposing syndrome. Also called: Neoplastic Syndromes, Hereditary; Tumor predisposition; Hereditary Cancer Syndrome; Hereditary neoplastic syndrome. Identifiers: Orphanet 140162, MedGen C0027672, MeSH D009386, MONDO:0015356.

Submission:

Labcorp Genetics (formerly Invitae), Labcorp
Classification: Uncertain significance for Hereditary cancer-predisposing syndrome. Last evaluated: 2018-10-20. Review status: criteria provided, single submitter. Criteria: Invitae Variant Classification Sherloc (09022015). Collection method: clinical testing. Allele origin: germline.
Comment: In summary, the available evidence is currently insufficient to determine the role of this variant in disease. Therefore, it has been classified as a Variant of Uncertain Significance. Algorithms developed to predict the effect of missense changes on protein structure and function (SIFT, PolyPhen-2, Align-GVGD) all suggest that this variant is likely to be tolerated, but these predictions have not been confirmed by published functional studies and their clinical significance is uncertain. This variant has not been reported in the literature in individuals with RAD50-related disease. This variant is not present in population databases (ExAC no frequency). This sequence change replaces lysine with threonine at codon 242 of the RAD50 protein (p.Lys242Thr). The lysine residue is moderately conserved and there is a moderate physicochemical difference between lysine and threonine.

NM_005732.4(RAD50):c.725A>C (p.Lys242Thr)

Gene: RAD50 (RAD50 double strand break repair protein; plus strand). Cytogenetic location: 5q31.1.
Variant type: single nucleotide variant.
Coding change: c.725A>C on transcript NM_005732.4 (MANE Select); coding-DNA position 725, A replaced by C.
Protein change: p.Lys242Thr; replaces lysine 242 with threonine.
Molecular consequence: missense variant.
Genome position (GRCh38, 1-based): chr5:132,580,035, A>C. VCF-style: chr5-132580035-A-C. GRCh37 (hg19) VCF-style: chr5-131915727-A-C.
Other names: short protein forms K242T.
Identifiers: ClinVar variation 648580 (VCV000648580.9), dbSNP rs1270062150, ClinGen allele CA360937140.